The following is an entry in ClinVar:

NM_152564.5(VPS13B):c.6544C>T (p.Pro2182Ser)

Gene: VPS13B (vacuolar protein sorting 13 homolog B; plus strand). Cytogenetic location: 8q22.2.
Variant type: single nucleotide variant.
Coding change: c.6544C>T on transcript NM_152564.5 (MANE Select); coding-DNA position 6544, C replaced by T.
Protein change: p.Pro2182Ser; replaces proline 2182 with serine.
Molecular consequence: missense variant.
Genome position (GRCh38, 1-based): chr8:99,717,260, C>T. VCF-style: chr8-99717260-C-T. GRCh37 (hg19) VCF-style: chr8-100729488-C-T.
Other names: c.6619C>T, p.Pro2207Ser (NM_017890.5); short protein forms P2182S, P2207S.
Identifiers: ClinVar variation 1363562 (VCV001363562.6), dbSNP rs778567402, ClinGen allele CA371867262.

ClinVar aggregate classification (germline): Uncertain significance (1 of 4 stars; one submission).

Conditions:
Cohen syndrome (COH1). Also called: PEPPER SYNDROME; Cutis verticis gyrata, retinitis pigmentosa, and sensorineural deafness. Identifiers: Orphanet 193, MedGen C0265223, MONDO:0008999, OMIM 216550.

Submission:

Labcorp Genetics (formerly Invitae), Labcorp
Classification: Uncertain significance for Cohen syndrome. Last evaluated: 2021-01-08. Review status: criteria provided, single submitter. Criteria: Invitae Variant Classification Sherloc (09022015). Collection method: clinical testing. Allele origin: germline.
Comment: This sequence change replaces proline with serine at codon 2207 of the VPS13B protein (p.Pro2207Ser). The proline residue is moderately conserved and there is a moderate physicochemical difference between proline and serine. This variant is not present in population databases (ExAC no frequency). In summary, the available evidence is currently insufficient to determine the role of this variant in disease. Therefore, it has been classified as a Variant of Uncertain Significance. Algorithms developed to predict the effect of missense changes on protein structure and function are either unavailable or do not agree on the potential impact of this missense change (SIFT: "Not Available"; PolyPhen-2: "Possibly Damaging"; Align-GVGD: "Not Available"). This variant has not been reported in the literature in individuals with VPS13B-related conditions.